The following is an entry in ClinVar:

NM_153026.3(PRICKLE1):c.997A>G (p.Ser333Gly)

Genes: PRICKLE1 (prickle planar cell polarity protein 1; minus strand), LOC126861509 (BRD4-independent group 4 enhancer GRCh37_chr12:42858567-42859766; plus strand). Cytogenetic location: 12q12.
Variant type: single nucleotide variant.
Coding change: c.997A>G on transcript NM_153026.3 (MANE Select); coding-DNA position 997, A replaced by G.
Protein change: p.Ser333Gly; replaces serine 333 with glycine.
Molecular consequence: missense variant.
Genome position (GRCh38, 1-based): chr12:42,465,037, T>C on the plus strand (A>G on the coding strand, the complement: PRICKLE1 is on the minus strand). VCF-style: chr12-42465037-T-C. GRCh37 (hg19) VCF-style: chr12-42858839-T-C.
Other names: c.997A>G, p.Ser333Gly (NM_001144881.2, NM_001144882.2, NM_001144883.2); short protein forms S333G.
Identifiers: ClinVar variation 1476460 (VCV001476460.7), dbSNP rs1938037090, ClinGen allele CA384442690.

ClinVar aggregate classification (germline): Uncertain significance (1 of 4 stars; one submission).

Conditions:
Epilepsy, progressive myoclonic, 1B. Also called: PME. Identifiers: Orphanet 308, MedGen C2676254, MONDO:0012904, OMIM 612437.

Allele frequency attached by ClinVar (database versions not stated): gnomAD exomes below 0.00001; TOPMed below 0.00001.
gnomAD v4.1: 3 of 1,590,974 alleles (0.00019%); highest among the groups gnomAD compares: African/African-American, 0.004%; no homozygotes.

Submission:

Labcorp Genetics (formerly Invitae), Labcorp
Classification: Uncertain significance for Epilepsy, progressive myoclonic, 1B. Last evaluated: 2022-09-27. Review status: criteria provided, single submitter. Criteria: Invitae Variant Classification Sherloc (09022015). Collection method: clinical testing. Allele origin: germline.
Comment: ClinVar contains an entry for this variant (Variation ID: 1476460). Advanced modeling of protein sequence and biophysical properties (such as structural, functional, and spatial information, amino acid conservation, physicochemical variation, residue mobility, and thermodynamic stability) performed at Invitae indicates that this missense variant is not expected to disrupt PRICKLE1 protein function. In summary, the available evidence is currently insufficient to determine the role of this variant in disease. Therefore, it has been classified as a Variant of Uncertain Significance. This sequence change replaces serine, which is neutral and polar, with glycine, which is neutral and non-polar, at codon 333 of the PRICKLE1 protein (p.Ser333Gly). This variant is not present in population databases (gnomAD no frequency). This variant has not been reported in the literature in individuals affected with PRICKLE1-related conditions.